The following is an entry in ClinVar:

NM_001009996.3(DALRD3):c.777C>A (p.Pro259=)

Gene: DALRD3 (DALR anticodon binding domain containing 3; minus strand). Cytogenetic location: 3p21.31.
Variant type: single nucleotide variant.
Coding change: c.777C>A on transcript NM_001009996.3 (MANE Select); coding-DNA position 777, C replaced by A.
Protein change: p.Pro259=; no amino-acid change (proline 259 retained).
Molecular consequence: synonymous variant.
Genome position (GRCh38, 1-based): chr3:49,017,455, G>T on the plus strand (C>A on the coding strand, the complement: DALRD3 is on the minus strand). VCF-style: chr3-49017455-G-T. GRCh37 (hg19) VCF-style: chr3-49054888-G-T.
Other names: c.777C>A, p.Pro259= (NM_001276405.2); c.276C>A, p.Pro92= (NM_018114.6).
Identifiers: ClinVar variation 2583013 (VCV002583013.25), dbSNP rs200991249, ClinGen allele CA2389865.

ClinVar aggregate classification (germline): Likely benign (1 of 4 stars; one submission).

Allele frequency attached by ClinVar (database versions not stated): ExAC 0.00007; ESP Exome Variant Server 0.00008.

Submission:

CeGaT Center for Human Genetics Tuebingen
Classification: Likely benign. Last evaluated: 2025-07-01. Review status: criteria provided, single submitter. Criteria: CeGaT Center For Human Genetics Tuebingen Variant Classification Criteria Version 2. Collection method: clinical testing. Allele origin: germline. Affected: yes. Observed: 4 variant alleles.
Comment: DALRD3: BP4, BP7